The following is an entry in ClinVar:

ClinVar aggregate classification (germline): Uncertain significance (1 of 4 stars; one submission).

Conditions:
Neonatal-onset encephalopathy with rigidity and seizures. Also called: Lethal neonatal spasticity-epileptic encephalopathy syndrome. Identifiers: Orphanet 435845, MedGen C3281029, MONDO:0013784, OMIM 614498.

Allele frequency attached by ClinVar (database versions not stated): gnomAD exomes 0.00001.
gnomAD v4.1: 16 of 1,534,180 alleles (0.001%); highest among the groups gnomAD compares: African/African-American, 0.0055%; no homozygotes.

Submission:

Labcorp Genetics (formerly Invitae), Labcorp
Classification: Uncertain significance for Neonatal-onset encephalopathy with rigidity and seizures. Last evaluated: 2025-10-15. Review status: criteria provided, single submitter. Criteria: Invitae Variant Classification Sherloc (09022015). Collection method: clinical testing. Allele origin: germline.
Comment: This sequence change replaces alanine, which is neutral and non-polar, with threonine, which is neutral and polar, at codon 256 of the BRAT1 protein (p.Ala256Thr). This variant is present in population databases (no rsID available, gnomAD 0.01%). This variant has not been reported in the literature in individuals affected with BRAT1-related conditions. ClinVar contains an entry for this variant (Variation ID: 1014898). Invitae Evidence Modeling of protein sequence and biophysical properties (such as structural, functional, and spatial information, amino acid conservation, physicochemical variation, residue mobility, and thermodynamic stability) indicates that this missense variant is not expected to disrupt BRAT1 protein function with a negative predictive value of 95%. In summary, the available evidence is currently insufficient to determine the role of this variant in disease. Therefore, it has been classified as a Variant of Uncertain Significance.

NM_152743.4(BRAT1):c.766G>A (p.Ala256Thr)

Gene: BRAT1 (BRCA1 associated ATM activator 1; minus strand). Cytogenetic location: 7p22.3.
Variant type: single nucleotide variant.
Coding change: c.766G>A on transcript NM_152743.4 (MANE Select); coding-DNA position 766, G replaced by A.
Protein change: p.Ala256Thr; replaces alanine 256 with threonine.
Molecular consequence: missense variant. On other transcripts: non-coding transcript variant (1).
Genome position (GRCh38, 1-based): chr7:2,543,627, C>T on the plus strand (G>A on the coding strand, the complement: BRAT1 is on the minus strand). VCF-style: chr7-2543627-C-T. GRCh37 (hg19) VCF-style: chr7-2583261-C-T.
Other names: c.766G>A, p.Ala256Thr (NM_001350626.2); c.241G>A, p.Ala81Thr (NM_001350627.2); short protein forms A256T, A81T.
Identifiers: ClinVar variation 1014898 (VCV001014898.9), dbSNP rs1005270374, ClinGen allele CA152671444.